The following is an entry in ClinVar:

NM_032638.5(GATA2):c.576_578del (p.Pro193del)

Gene: GATA2 (GATA binding protein 2; minus strand). Cytogenetic location: 3q21.3.
Variant type: Deletion.
Coding change: c.576_578del on transcript NM_032638.5 (MANE Select); coding-DNA positions 576 to 578, 3 bases deleted (TCC; older notation c.576_578delTCC).
Protein change: p.Pro193del; deletes proline 193.
Molecular consequence: inframe indel (on NM_032638.4).
Genome position (GRCh38, 1-based): chr3:128,486,020-128,486,022, GGA deleted on the plus strand (TCC on the coding strand, the reverse complement: GATA2 is on the minus strand); deleting any 3 consecutive bases within chr3:128,486,020-128,486,023 gives the same sequence; the c. name uses the placement nearest the transcript's 3' end. VCF-style (leftmost placement, unchanged base first): chr3-128486019-TGGA-T. GRCh37 (hg19) VCF-style: chr3-128204862-TGGA-T.
Other names: c.576_578del, p.Pro193del (NM_001145661.2, NM_001145662.1); c.575_577delCTC, p.Pro193del (NM_032638.4); short protein forms P193del.
Identifiers: ClinVar variation 3360410 (VCV003360410.1).

ClinVar aggregate classification (germline): Uncertain significance (1 of 4 stars; one submission).

Submission:

GeneDx
Classification: Uncertain significance. Last evaluated: 2023-06-29. Review status: criteria provided, single submitter. Criteria: GeneDx Variant Classification Process June 2021. Collection method: clinical testing. Allele origin: germline. Affected: yes.
Comment: Not observed at significant frequency in large population cohorts (gnomAD); In-frame deletion of 1 amino acid in a non-repeat region; In silico analysis supports a deleterious effect on protein structure/function; Has not been previously published as pathogenic or benign to our knowledge